The following is an entry in ClinVar:

NM_000059.4(BRCA2):c.5247T>A (p.Tyr1749Ter)

Gene: BRCA2 (BRCA2 DNA repair associated; plus strand). Cytogenetic location: 13q13.1.
Variant type: single nucleotide variant.
Coding change: c.5247T>A on transcript NM_000059.4 (MANE Select); coding-DNA position 5247, T replaced by A.
Protein change: p.Tyr1749Ter; replaces tyrosine 1749 with a stop codon.
Molecular consequence: nonsense.
Genome position (GRCh38, 1-based): chr13:32,339,602, T>A. VCF-style: chr13-32339602-T-A. GRCh37 (hg19) VCF-style: chr13-32913739-T-A.
Other names: short protein forms Y1749*.
Identifiers: ClinVar variation 924662 (VCV000924662.3), dbSNP rs1566232050, ClinGen allele CA387784695.

ClinVar aggregate classification (germline): Pathogenic (1 of 4 stars; one submission).

Conditions:
Hereditary cancer-predisposing syndrome. Also called: Neoplastic Syndromes, Hereditary; Tumor predisposition; Hereditary Cancer Syndrome; Hereditary neoplastic syndrome. Identifiers: Orphanet 140162, MedGen C0027672, MeSH D009386, MONDO:0015356.

Submission:

Color Diagnostics, LLC DBA Color Health
Classification: Pathogenic for Hereditary cancer-predisposing syndrome. Last evaluated: 2020-01-15. Review status: criteria provided, single submitter. Criteria: ACMG Guidelines, 2015. Collection method: clinical testing. Allele origin: germline.
Comment: This variant changes 1 nucleotide in exon 11 of the BRCA2 gene, creating a premature translation stop signal. This variant is expected to result in an absent or non-functional protein product. This variant has not been identified in the general population by the Genome Aggregation Database (gnomAD). Loss of BRCA2 function is a known mechanism of disease. Based on the available evidence, this variant is classified as Pathogenic.